The following is an entry in ClinVar:

NC_000015.9:g.(?_48700509)_(48826403_48829807)del

Gene: FBN1 (fibrillin 1; minus strand). Cytogenetic location: 15q21.1.
Variant type: Deletion.
Identifiers: ClinVar variation 4848979 (VCV004848979.1).

ClinVar aggregate classification (germline): Pathogenic (1 of 4 stars; one submission).

Conditions:
Marfan Syndrome/Loeys-Dietz Syndrome/Familial Thoracic Aortic Aneurysms and Dissections. Identifiers: MedGen CN229799.

Submission:

Women's Health and Genetics/Laboratory Corporation of America, LabCorp
Classification: Pathogenic for Marfan Syndrome/Loeys-Dietz Syndrome/Familial Thoracic Aortic Aneurysms and Dissections. Last evaluated: 2026-04-01. Review status: criteria provided, single submitter. Criteria: LabCorp Variant Classification Summary - May 2015. Collection method: clinical testing. Allele origin: germline.
Comment: Variant summary: The variant involves the deletion of exons 8-66 in the FBN1 gene. A presumed nomenclature of c.(736+1_737-1)_(*2678_?)del has been designated for the purposes of this classification. The exact breakpoint at the distal 3' end of this variant is unknown, therefore this deletion may extend downstream of the annotated region of the gene. As it encompasses the termination codon, it is predicted to escape nonsense mediated decay (NMD). Loss-of-function variants in this gene are known to be pathogenic. The variant was absent in 21660 control chromosomes. To our knowledge, no occurrence of c.(736+1_737-1)_(*2678_?)del in individuals affected with FBN1-related conditions and no experimental evidence demonstrating its impact on protein function have been reported. However other variants within the deleted region have been classified as pathogenic by our lab, providing evidence that the region altered by the variant is critical to protein function. No submitters have cited clinical-significance assessments for this variant to ClinVar. Based on the evidence outlined above, the variant was classified as pathogenic.